The following is an entry in ClinVar:

NM_000465.4(BARD1):c.1357_1358delinsTT (p.Asp453Phe)

Gene: BARD1 (BRCA1 associated RING domain 1; minus strand). Cytogenetic location: 2q35.
Variant type: Indel.
Coding change: c.1357_1358delinsTT on transcript NM_000465.4 (MANE Select); coding-DNA positions 1357 to 1358, GA replaced by TT.
Protein change: p.Asp453Phe; replaces aspartic acid 453 with phenylalanine.
Molecular consequence: missense variant. On other transcripts: non-coding transcript variant (3), intron variant (3).
Genome position (GRCh38, 1-based): chr2:214,769,269-214,769,270, TC replaced by AA on the plus strand (GA replaced by TT on the coding strand, the reverse complement: BARD1 is on the minus strand). VCF-style: chr2-214769269-TC-AA. GRCh37 (hg19) VCF-style: chr2-215633993-TC-AA.
Other names: c.1300_1301delinsTT, p.Asp434Phe (NM_001282543.2); c.159-16715_159-16714delinsTT (NM_001282548.2); c.216-16715_216-16714delinsTT (NM_001282545.2); c.364+23027_364+23028delinsTT (NM_001282549.2); short protein forms D434F, D453F.
Identifiers: ClinVar variation 1171273 (VCV001171273.4), dbSNP rs2106081279, ClinGen allele CA2499215621.

ClinVar aggregate classification (germline): Uncertain significance (1 of 4 stars; one submission).

Conditions:
Hereditary cancer-predisposing syndrome. Also called: Tumor predisposition; Hereditary neoplastic syndrome; Hereditary Cancer Syndrome; Neoplastic Syndromes, Hereditary. Identifiers: Orphanet 140162, MedGen C0027672, MeSH D009386, MONDO:0015356.

Submission:

Color Diagnostics, LLC DBA Color Health
Classification: Uncertain significance for Hereditary cancer-predisposing syndrome. Last evaluated: 2023-12-05. Review status: criteria provided, single submitter. Criteria: ACMG Guidelines, 2015. Collection method: clinical testing. Allele origin: germline.
Comment: This missense variant replaces aspartic acid with phenylalanine at codon 453 of the BARD1 protein. To our knowledge, functional studies have not been reported for this variant. This variant has not been reported in individuals affected with hereditary cancer in the literature. This variant has not been identified in the general population by the Genome Aggregation Database (gnomAD). The available evidence is insufficient to determine the role of this variant in disease conclusively. Therefore, this variant is classified as a Variant of Uncertain Significance.